The following is an entry in ClinVar:

ClinVar aggregate classification (germline): Conflicting classifications of pathogenicity. Review status: criteria provided, conflicting classifications (1 of 4 stars). 6 submissions from 6 submitters: Likely pathogenic (1); Uncertain significance (2); Likely benign (3). Last evaluated 2025-08-27.

Conditions:
FG syndrome (FGS). Identifiers: MedGen C0220769, MONDO:0002010.
FG syndrome 1 (OKS). Also called: FG Syndrome Type 1 (FGS1); OPITZ-KAVEGGIA SYNDROME; KELLER SYNDROME; MENTAL RETARDATION, LARGE HEAD, IMPERFORATE ANUS, CONGENITAL HYPOTONIA, AND PARTIAL AGENESIS OF CORPUS CALLOSUM. Identifiers: Orphanet 93932, MedGen C5399762, MONDO:0010590, OMIM 305450.
X-linked intellectual disability with marfanoid habitus. Also called: Lujan Syndrome (LS); X-linked mental retardation with marfanoid habitus syndrome; Lujan Syndrome; INTELLECTUAL DEVELOPMENTAL DISORDER, X-LINKED, SYNDROMIC, LUJAN-FRYNS TYPE. Identifiers: Orphanet 776, MedGen C0796022, MONDO:0010655, OMIM 309520.
Blepharophimosis - intellectual disability syndrome, MKB type. Also called: X-Linked Ohdo Syndrome (XLOS); BLEPHAROPHIMOSIS-MENTAL RETARDATION SYNDROME, MAAT-KIEVIT-BRUNNER TYPE; Ohdo syndrome, X-linked. Identifiers: Orphanet 293707, MedGen C3698541, MONDO:0010477, OMIM 300895.
Familial thoracic aortic aneurysm and aortic dissection (TAAD). Also called: Thoracic aortic aneurysms and dissections. Identifiers: Orphanet 91387, MedGen C4707243, MONDO:0019625.

Allele frequency attached by ClinVar (database versions not stated): ExAC 0.00002; gnomAD exomes 0.00003; gnomAD 0.00008 and 0.00009; TOPMed 0.00018.
gnomAD v4.1: 41 of 1,207,230 alleles (0.0034%); highest among the groups gnomAD compares: Admixed American, 0.02%; no homozygotes.

Submissions (6):

Ambry Genetics
Classification: Likely benign for Familial thoracic aortic aneurysm and aortic dissection. Last evaluated: 2025-08-27. Review status: criteria provided, single submitter. Criteria: Ambry Variant Classification Scheme 2023. Collection method: clinical testing. Allele origin: germline.

Labcorp Genetics (formerly Invitae), Labcorp
Classification: Likely benign for FG syndrome. Last evaluated: 2025-07-21. Review status: criteria provided, single submitter. Criteria: Invitae Variant Classification Sherloc (09022015). Collection method: clinical testing. Allele origin: germline.

Blueprint Genetics
Classification: Likely benign. Last evaluated: 2023-03-27. Review status: criteria provided, single submitter. Criteria: ACMG Guidelines, 2015. Collection method: clinical testing. Allele origin: germline.

GeneDx
Classification: Uncertain significance. Last evaluated: 2021-10-14. Review status: criteria provided, single submitter. Criteria: GeneDx Variant Classification Process June 2021. Collection method: clinical testing. Allele origin: germline. Affected: yes.
Comment: Not observed at significant frequency in large population cohorts (Lek et al., 2016); In silico analysis supports that this missense variant has a deleterious effect on protein structure/function; This variant is associated with the following publications: (PMID: 25326637)

Center for Pediatric Genomic Medicine, Children's Mercy Hospital and Clinics
Classification: Uncertain significance. Last evaluated: 2016-04-29. Review status: criteria provided, single submitter. Criteria: ACMG Guidelines, 2015. Collection method: clinical testing. Allele origin: germline.
ClinVar note: Converted during submission from Uncertain Significance to Uncertain significance.

UCLA Clinical Genomics Center, UCLA
Classification: Likely pathogenic for X-linked mental retardation with marfanoid habitus syndrome; FG syndrome; Ohdo syndrome, X-linked. Last evaluated: 2013-04-23. Review status: criteria provided, single submitter. Criteria: Lee et al. (JAMA. 2014). Collection method: clinical testing. Allele origin: germline. Inheritance: X-linked inheritance. Affected: yes. Study: CES.

Literature cited by the submitters: PubMed 25326637 (cited by Ambry Genetics).

NM_005120.3(MED12):c.1849A>G (p.Thr617Ala)

Gene: MED12 (mediator complex subunit 12; plus strand). Cytogenetic location: Xq13.1.
Variant type: single nucleotide variant.
Coding change: c.1849A>G on transcript NM_005120.3 (MANE Select); coding-DNA position 1849, A replaced by G.
Protein change: p.Thr617Ala; replaces threonine 617 with alanine.
Molecular consequence: missense variant.
Genome position (GRCh38, 1-based): chrX:71,124,263, A>G. VCF-style: chrX-71124263-A-G. GRCh37 (hg19) VCF-style: chrX-70344113-A-G.
Other names: short protein forms T617A.
Identifiers: ClinVar variation 213633 (VCV000213633.23), dbSNP rs765417606, ClinGen allele CA277526.